The following is an entry in ClinVar:

ClinVar aggregate classification (germline): Uncertain significance (1 of 4 stars; one submission).

gnomAD v4.1: 7 of 1,613,864 alleles (0.00043%); highest among the groups gnomAD compares: African/African-American, 0.0027%; no homozygotes.

Submission:

Labcorp Genetics (formerly Invitae), Labcorp
Classification: Uncertain significance. Last evaluated: 2024-02-20. Review status: criteria provided, single submitter. Criteria: Invitae Variant Classification Sherloc (09022015). Collection method: clinical testing. Allele origin: germline.
Comment: This sequence change replaces tyrosine, which is neutral and polar, with phenylalanine, which is neutral and non-polar, at codon 454 of the RUNX2 protein (p.Tyr454Phe). This variant is not present in population databases (gnomAD no frequency). This variant has not been reported in the literature in individuals affected with RUNX2-related conditions. Advanced modeling of protein sequence and biophysical properties (such as structural, functional, and spatial information, amino acid conservation, physicochemical variation, residue mobility, and thermodynamic stability) performed at Invitae indicates that this missense variant is not expected to disrupt RUNX2 protein function with a negative predictive value of 80%. In summary, the available evidence is currently insufficient to determine the role of this variant in disease. Therefore, it has been classified as a Variant of Uncertain Significance.

NM_001024630.4(RUNX2):c.1361A>T (p.Tyr454Phe)

Gene: RUNX2 (RUNX family transcription factor 2; plus strand). Cytogenetic location: 6p21.1.
Variant type: single nucleotide variant.
Coding change: c.1361A>T on transcript NM_001024630.4 (MANE Select); coding-DNA position 1361, A replaced by T.
Protein change: p.Tyr454Phe; replaces tyrosine 454 with phenylalanine.
Molecular consequence: missense variant.
Genome position (GRCh38, 1-based): chr6:45,547,100, A>T. VCF-style: chr6-45547100-A-T. GRCh37 (hg19) VCF-style: chr6-45514837-A-T.
Other names: c.1295A>T, p.Tyr432Phe (NM_001015051.4); c.1253A>T, p.Tyr418Phe (NM_001278478.2); c.1319A>T, p.Tyr440Phe (NM_001369405.1); short protein forms Y418F, Y432F, Y440F, Y454F.
Identifiers: ClinVar variation 3610050 (VCV003610050.2).